The following is an entry in ClinVar:

ClinVar aggregate classification (germline): Uncertain significance. Review status: criteria provided, multiple submitters, no conflicts (2 of 4 stars). 3 submissions from 3 submitters: Uncertain significance (3). Last evaluated 2025-11-22.

Conditions:
Inborn genetic diseases. Identifiers: MedGen C0950123, MeSH D030342.
Cataract 5 multiple types (CTRCT5). Also called: Lamellar cataract; CATARACT 5, LAMELLAR; CATARACT, MARNER TYPE. Identifiers: Orphanet 91492, MedGen C0266537, MONDO:0007290, OMIM 116800, HP:0007971.

Allele frequency attached by ClinVar (database versions not stated): gnomAD exomes below 0.00001; TOPMed below 0.00001; ExAC 0.00001; gnomAD 0.00001.

Submissions (3):

Labcorp Genetics (formerly Invitae), Labcorp
Classification: Uncertain significance for Cataract 5 multiple types. Last evaluated: 2025-11-22. Review status: criteria provided, single submitter. Criteria: Invitae Variant Classification Sherloc (09022015). Collection method: clinical testing. Allele origin: germline.
Comment: This sequence change replaces methionine, which is neutral and non-polar, with threonine, which is neutral and polar, at codon 68 of the HSF4 protein (p.Met68Thr). This variant is present in population databases (rs751405773, gnomAD 0.0009%). This missense change has been observed in individual(s) with early onset cataracts (internal data). ClinVar contains an entry for this variant (Variation ID: 320178). Invitae Evidence Modeling of protein sequence and biophysical properties (such as structural, functional, and spatial information, amino acid conservation, physicochemical variation, residue mobility, and thermodynamic stability) has been performed for this missense variant. However, the output from this modeling did not meet the statistical confidence thresholds required to predict the impact of this variant on HSF4 protein function. In summary, the available evidence is currently insufficient to determine the role of this variant in disease. Therefore, it has been classified as a Variant of Uncertain Significance.

Ambry Genetics
Classification: Uncertain significance for Inborn genetic diseases. Last evaluated: 2022-03-29. Review status: criteria provided, single submitter. Criteria: Ambry Variant Classification Scheme 2023. Collection method: clinical testing. Allele origin: germline.

Illumina Laboratory Services, Illumina
Classification: Uncertain significance for Cataract 5 multiple types. Last evaluated: 2018-01-13. Review status: criteria provided, single submitter. Criteria: ICSL Variant Classification Criteria 13 December 2019. Collection method: clinical testing. Allele origin: germline.

NM_001374675.1(HSF4):c.203T>C (p.Met68Thr)

Gene: HSF4 (heat shock transcription factor 4; plus strand). Cytogenetic location: 16q22.1.
Variant type: single nucleotide variant.
Coding change: c.203T>C on transcript NM_001374675.1 (MANE Select); coding-DNA position 203, T replaced by C.
Protein change: p.Met68Thr; replaces methionine 68 with threonine.
Molecular consequence: missense variant.
Genome position (GRCh38, 1-based): chr16:67,165,601, T>C. VCF-style: chr16-67165601-T-C. GRCh37 (hg19) VCF-style: chr16-67199504-T-C.
Other names: c.203T>C, p.Met68Thr (NM_001040667.3, NM_001374674.1, NM_001538.4); short protein forms M68T.
Identifiers: ClinVar variation 320178 (VCV000320178.8), dbSNP rs751405773, ClinGen allele CA8101740.